The following is an entry in ClinVar:

NM_000264.5(PTCH1):c.1247C>G (p.Thr416Ser)

Gene: PTCH1 (patched 1; minus strand). Cytogenetic location: 9q22.32.
Variant type: single nucleotide variant.
Coding change: c.1247C>G on transcript NM_000264.5 (MANE Select); coding-DNA position 1247, C replaced by G.
Protein change: p.Thr416Ser; replaces threonine 416 with serine.
Molecular consequence: missense variant. On other transcripts: non-coding transcript variant (1).
Genome position (GRCh38, 1-based): chr9:95,478,155, G>C on the plus strand (C>G on the coding strand, the complement: PTCH1 is on the minus strand). VCF-style: chr9-95478155-G-C. GRCh37 (hg19) VCF-style: chr9-98240437-G-C.
Other names: c.1049C>G, p.Thr350Ser (NM_001083602.3); c.1244C>G, p.Thr415Ser (NM_001083603.3); c.794C>G, p.Thr265Ser (NM_001083604.3, NM_001083605.3, NM_001083606.3 and 1 more transcripts); c.1247C>G, p.Thr416Ser (NM_001354918.2); short protein forms T350S, T416S, T415S, T265S.
Identifiers: ClinVar variation 135109 (VCV000135109.24), dbSNP rs201174718, ClinGen allele CA161759.

ClinVar aggregate classification (germline): Conflicting classifications of pathogenicity. Review status: criteria provided, conflicting classifications (1 of 4 stars). 9 submissions from 9 submitters: Uncertain significance (1); Benign (1); Likely benign (5). 2 of the submissions do not count toward it. Last evaluated 2026-01-28.

Conditions:
Basal cell carcinoma, susceptibility to, 1. Also called: BCC1. Identifiers: MedGen C2751544, MONDO:0011556, OMIM 605462.
Holoprosencephaly 7 (HPE7). Identifiers: Orphanet 2162, MedGen C1835820, MONDO:0012562, OMIM 610828.
Basal cell nevus syndrome 1 (BCNS1). Also called: GORLIN-GOLTZ SYNDROME; MULTIPLE BASAL CELL NEVI, ODONTOGENIC KERATOCYSTS, AND SKELETAL ANOMALIES. Identifiers: MedGen CN376810, MONDO:0958174, OMIM 109400.
Hereditary cancer-predisposing syndrome. Also called: Tumor predisposition; Hereditary neoplastic syndrome; Neoplastic Syndromes, Hereditary; Hereditary Cancer Syndrome. Identifiers: Orphanet 140162, MedGen C0027672, MeSH D009386, MONDO:0015356.
Gorlin syndrome. Also called: Nevoid Basal Cell Carcinoma Syndrome; Basal cell nevus syndrome. Identifiers: Orphanet 377, MedGen C0004779, MONDO:0007187.
PTCH1-related disorder. Also called: PTCH1-related disorders; PTCH1-related condition.

Allele frequency attached by ClinVar (database versions not stated): gnomAD 0.00009 and 0.00010; TOPMed 0.00017; 1000 Genomes Project 30x 0.00031; 1000 Genomes Project 0.00040.
gnomAD v4.1: 68 of 1,614,184 alleles (0.0042%); highest among the groups gnomAD compares: East Asian, 0.13%; no homozygotes.

Submissions (9):

Labcorp Genetics (formerly Invitae), Labcorp
Classification: Likely benign for Gorlin syndrome. Last evaluated: 2026-01-28. Review status: criteria provided, single submitter. Criteria: Invitae Variant Classification Sherloc (09022015). Collection method: clinical testing. Allele origin: germline.

Center for Genomic Medicine, Rigshospitalet, Copenhagen University Hospital
Classification: Uncertain significance. Last evaluated: 2025-12-29. Review status: criteria provided, single submitter. Criteria: ACMG Guidelines, 2015. Collection method: clinical testing. Allele origin: germline.

Department of Pathology and Laboratory Medicine, Sinai Health System
Classification: Likely benign for Basal cell nevus syndrome 1; Basal cell carcinoma, susceptibility to, 1; Holoprosencephaly 7. Last evaluated: 2023-03-07. Review status: criteria provided, single submitter. Criteria: ACMG Guidelines, 2015. Collection method: clinical testing. Allele origin: germline. Affected: yes.

Sema4
Classification: Likely benign for Hereditary cancer-predisposing syndrome. Last evaluated: 2021-11-25. Review status: criteria provided, single submitter. Criteria: Sema4 Curation Guidelines. Collection method: curation. Allele origin: germline.

Quest Diagnostics Nichols Institute San Juan Capistrano
Classification: Benign. Last evaluated: 2021-07-16. Review status: criteria provided, single submitter. Criteria: Quest Diagnostics criteria. Collection method: clinical testing. Allele origin: unknown.

Ambry Genetics
Classification: Likely benign for Hereditary cancer-predisposing syndrome. Last evaluated: 2021-04-02. Review status: criteria provided, single submitter. Criteria: Ambry Variant Classification Scheme 2023. Collection method: clinical testing. Allele origin: germline.

GeneDx
Classification: Likely benign. Last evaluated: 2019-10-29. Review status: criteria provided, single submitter. Criteria: GeneDx Variant Classification Process June 2021. Collection method: clinical testing. Allele origin: germline. Affected: yes.
Comment: This variant is associated with the following publications: (PMID: 19362041, 18502968, 30093976, 24728327, 24668667)

PreventionGenetics, part of Exact Sciences
Classification: Likely benign for PTCH1-related condition. Last evaluated: 2022-12-29. Review status: no assertion criteria provided. Collection method: clinical testing. Allele origin: germline. Not counted in ClinVar's aggregate classification.
Comment: This variant is classified as likely benign based on ACMG/AMP sequence variant interpretation guidelines (Richards et al. 2015 PMID: 25741868, with internal and published modifications).

ITMI
No classification provided. Condition: AllHighlyPenetrant. Last evaluated: 2013-09-19. Review status: no classification provided. Collection method: reference population. Allele origin: germline. Not counted in ClinVar's aggregate classification.
Comment: Please see associated publication for description of ethnicities

Literature cited by the submitters: PubMed 24728327 (cited by Quest Diagnostics Nichols Institute San Juan Capistrano and ITMI); PubMed 20068110 (cited by Quest Diagnostics Nichols Institute San Juan Capistrano and Ambry Genetics); PubMed 24668667 (cited by Ambry Genetics).